The following is an entry in ClinVar:

NC_000004.11:g.(?_4859065)_(4864603_?)del

Gene: MSX1 (msh homeobox 1; plus strand). Cytogenetic location: 4p16.2.
Variant type: Deletion.
Identifiers: ClinVar variation 2424448 (VCV002424448.4).

ClinVar aggregate classification (germline): Pathogenic (1 of 4 stars; one submission).

Conditions:
Hypoplastic enamel-onycholysis-hypohidrosis syndrome (TNS). Also called: WITKOP SYNDROME; NAIL DYSPLASIA WITH HYPODONTIA; Tooth-and-Nail Syndrome; ECTODERMAL DYSPLASIA 3, WITKOP TYPE; ECTODERMAL DYSPLASIA 3, TOOTH/NAIL TYPE. Identifiers: Orphanet 2228, MedGen C0406735, MONDO:0008582, OMIM 189500.

Submission:

Labcorp Genetics (formerly Invitae), Labcorp
Classification: Pathogenic for Hypoplastic enamel-onycholysis-hypohidrosis syndrome. Last evaluated: 2022-08-16. Review status: criteria provided, single submitter. Criteria: Invitae Variant Classification Sherloc (09022015). Collection method: clinical testing. Allele origin: germline.
Comment: For these reasons, this variant has been classified as Pathogenic. This variant has not been reported in the literature in individuals affected with MSX1-related conditions. This variant results in the deletion of exon 1 and part of exon 2 (c.-2562_645delinsA) of the MSX1 gene. It is expected to result in an absent or disrupted protein product. Loss-of-function variants in MSX1 are known to be pathogenic (PMID: 9742121, 10742093).

Literature cited by the submitters: PubMed 9742121; PubMed 10742093.